The following is an entry in ClinVar:

NM_144997.7(FLCN):c.16G>T (p.Ala6Ser)

Gene: FLCN (folliculin; minus strand). Cytogenetic location: 17p11.2.
Variant type: single nucleotide variant.
Coding change: c.16G>T on transcript NM_144997.7 (MANE Select); coding-DNA position 16, G replaced by T.
Protein change: p.Ala6Ser; replaces alanine 6 with serine.
Molecular consequence: missense variant.
Genome position (GRCh38, 1-based): chr17:17,228,122, C>A on the plus strand (G>T on the coding strand, the complement: FLCN is on the minus strand). VCF-style: chr17-17228122-C-A. GRCh37 (hg19) VCF-style: chr17-17131436-C-A.
Other names: c.16G>T, p.Ala6Ser (NM_001353229.2, NM_001353230.2, NM_001353231.2 and 1 more transcripts); short protein forms A6S.
Identifiers: ClinVar variation 5021873 (VCV005021873.1).

ClinVar aggregate classification (germline): Uncertain significance (1 of 4 stars; one submission).

Conditions:
Hereditary cancer-predisposing syndrome. Also called: Neoplastic Syndromes, Hereditary; Tumor predisposition; Hereditary neoplastic syndrome; Hereditary Cancer Syndrome. Identifiers: Orphanet 140162, MedGen C0027672, MeSH D009386, MONDO:0015356.

Submission:

Ambry Genetics
Classification: Uncertain significance for Hereditary cancer-predisposing syndrome. Last evaluated: 2026-08-09. Review status: criteria provided, single submitter. Criteria: Ambry Variant Classification Scheme 2023. Collection method: clinical testing. Allele origin: germline.
Comment: The p.A6S variant (also known as c.16G>T), located in coding exon 1 of the FLCN gene, results from a G to T substitution at nucleotide position 16. The alanine at codon 6 is replaced by serine, an amino acid with similar properties. This amino acid position is conserved. In addition, this alteration is predicted to be deleterious by in silico analysis. Based on the available evidence, the clinical significance of this variant remains unclear.